The following is an entry in ClinVar:

NM_000552.5(VWF):c.4493A>G (p.Asp1498Gly)

Gene: VWF (von Willebrand factor; minus strand). Cytogenetic location: 12p13.31.
Variant type: single nucleotide variant.
Coding change: c.4493A>G on transcript NM_000552.5 (MANE Select); coding-DNA position 4493, A replaced by G.
Protein change: p.Asp1498Gly; replaces aspartic acid 1498 with glycine.
Molecular consequence: missense variant.
Genome position (GRCh38, 1-based): chr12:6,018,925, T>C on the plus strand (A>G on the coding strand, the complement: VWF is on the minus strand). VCF-style: chr12-6018925-T-C. GRCh37 (hg19) VCF-style: chr12-6128091-T-C.
Other names: short protein forms D1498G.
Identifiers: ClinVar variation 618486 (VCV000618486.8), dbSNP rs1565831748, ClinGen allele CA383501702.

ClinVar aggregate classification (germline): Uncertain significance (1 of 4 stars; one submission).

Submission:

ARUP Laboratories, Molecular Genetics and Genomics, ARUP Laboratories
Classification: Uncertain significance. Last evaluated: 2018-01-17. Review status: criteria provided, single submitter. Criteria: ARUP Molecular Germline Variant Investigation Process. Collection method: clinical testing. Allele origin: germline.
Comment: The VWF c.4493A>G; p.Asp1498Gly variant is not reported in the literature or gene specific variation databases. Itis also absent from the general population databases (1000 Genomes Project, Exome Variant Server, Genome Aggregation Database), indicating it is not a common polymorphism. Codon 1498 has been found to be a key residue in calcium binding, and a different variant at this codon (Asp1498Ala) results in excess cleavage by ADAMTS13 (Zhou 2011). A variant at codon 1499 (Val1499Glu) has been detected in patients with Type 2A von Willebrand Factor that show variability in their clinical expression. The Val1499Glu variant also results in excess cleavage by ADAMTS13 (van den Heuvel 2009). The aspartic acid codon at 1498 is highly conserved across species and computational algorithms (SIFT, PolyPhen2, MutationTaster) predict this variant to be deleterious. However, due to the limited information regarding p.Asp1498Gly, its clinical significance is uncertain at this time. References: van den Heuvel E et al. A Novel Type 2A von Willebrand Factor Mutation (V1499E) Associated With Variable Clinical Expression. J Pediatr Hematol Oncol 2009; 31:277-280. Zhou M et al. A novel calcium-binding site of von Willebrand factor A2 domain regulates its cleavage by ADAMTS13. Blood 2011; 117:4623-4631.